The following is an entry in ClinVar:

NM_000388.4(CASR):c.2760C>G (p.Ser920Arg)

Gene: CASR (calcium sensing receptor; plus strand). Cytogenetic location: 3q21.1.
Variant type: single nucleotide variant.
Coding change: c.2760C>G on transcript NM_000388.4 (MANE Select); coding-DNA position 2760, C replaced by G.
Protein change: p.Ser920Arg; replaces serine 920 with arginine.
Molecular consequence: missense variant.
Genome position (GRCh38, 1-based): chr3:122,284,714, C>G. VCF-style: chr3-122284714-C-G. GRCh37 (hg19) VCF-style: chr3-122003561-C-G.
Other names: c.2790C>G, p.Ser930Arg (NM_001178065.2); short protein forms S930R, S920R.
Identifiers: ClinVar variation 1471115 (VCV001471115.8), dbSNP rs749958063, ClinGen allele CA2569858.

ClinVar aggregate classification (germline): Uncertain significance (1 of 4 stars; one submission).

Conditions:
Familial hypocalciuric hypercalcemia (FHH). Also called: Familial benign hypercalcemia. Identifiers: Orphanet 405, MedGen C1809471, MONDO:0018458.
Autosomal dominant hypocalcemia 1 (HYPOC1). Also called: HYPOCALCEMIA, FAMILIAL. Identifiers: MedGen C3715128, MONDO:0011013, OMIM 601198.

Allele frequency attached by ClinVar (database versions not stated): gnomAD exomes below 0.00001 and 0.00001; ExAC 0.00002.
gnomAD v4.1: 2 of 1,614,094 alleles (0.00012%); highest among the groups gnomAD compares: Non-Finnish European, 0.00017%; no homozygotes.

Submission:

Labcorp Genetics (formerly Invitae), Labcorp
Classification: Uncertain significance for Familial hypocalciuric hypercalcemia; Autosomal dominant hypocalcemia 1. Last evaluated: 2024-03-13. Review status: criteria provided, single submitter. Criteria: Invitae Variant Classification Sherloc (09022015). Collection method: clinical testing. Allele origin: germline.
Comment: This sequence change replaces serine, which is neutral and polar, with arginine, which is basic and polar, at codon 920 of the CASR protein (p.Ser920Arg). This variant is present in population databases (rs749958063, gnomAD 0.002%). This variant has not been reported in the literature in individuals affected with CASR-related conditions. ClinVar contains an entry for this variant (Variation ID: 1471115). An algorithm developed to predict the effect of missense changes on protein structure and function (PolyPhen-2) suggests that this variant is likely to be tolerated. In summary, the available evidence is currently insufficient to determine the role of this variant in disease. Therefore, it has been classified as a Variant of Uncertain Significance.